The following is an entry in ClinVar:

ClinVar aggregate classification (germline): Conflicting classifications of pathogenicity. Review status: criteria provided, conflicting classifications (1 of 4 stars). 16 submissions from 16 submitters: Uncertain significance (14); Likely benign (1). 1 of the submissions does not count toward it. Last evaluated 2026-08-11.

Conditions:
ATM-related disorder. Also called: ATM-related disorders; ATM-related condition.
Familial cancer of breast. Also called: hereditary breast carcinoma; BREAST CANCER, FAMILIAL; Hereditary breast cancer. Identifiers: Orphanet 227535, MedGen C0346153, MONDO:0016419, OMIM 114480. Disease mechanism: loss of function.
Ataxia-telangiectasia syndrome (AT). Also called: ATAXIA-TELANGIECTASIA, COMPLEMENTATION GROUP A; ATAXIA-TELANGIECTASIA, FRESNO VARIANT; Ataxia-telangiectasia; Ataxia-telangiectasia, complementation group E; Cerebello-oculocutaneous telangiectasia; Immunodeficiency with ataxia telangiectasia. Identifiers: Orphanet 100, MedGen C0004135, MONDO:0008840, OMIM 208900.
Hereditary cancer-predisposing syndrome. Also called: Hereditary Cancer Syndrome; Tumor predisposition; Neoplastic Syndromes, Hereditary; Hereditary neoplastic syndrome. Identifiers: Orphanet 140162, MedGen C0027672, MeSH D009386, MONDO:0015356.
Hereditary breast ovarian cancer syndrome. Also called: Hereditary breast and ovarian cancer syndrome; Hereditary breast and ovarian cancer syndrome (HBOC); Hereditary breast and ovarian cancer; Hereditary breast and/or ovarian cancer syndrome; BRCA1- and BRCA2-Associated Hereditary Breast and Ovarian Cancer; Breast and ovarian cancer. Identifiers: Orphanet 145, MedGen C0677776, MeSH D061325, MONDO:0003582. Disease mechanism: loss of function.

Allele frequency attached by ClinVar (database versions not stated): gnomAD exomes 0.00001 and 0.00004; gnomAD 0.00020 and 0.00022; ExAC 0.00005; TOPMed 0.00026; ESP Exome Variant Server 0.00038.
gnomAD v4.1: 55 of 1,614,080 alleles (0.0034%); highest among the groups gnomAD compares: African/African-American, 0.061%; no homozygotes.

Submissions 1 to 8 of 16:

PreventionGenetics, part of Exact Sciences
Classification: Uncertain significance for ATM-related condition. Last evaluated: 2026-08-11. Review status: criteria provided, single submitter. Criteria: ACMG Guidelines, 2015. Collection method: clinical testing. Allele origin: germline.
Comment: The ATM c.6537T>G variant is predicted to result in the amino acid substitution p.Ile2179Met. This variant has been reported as a variant of uncertain significance in patients with breast cancer (Supplementary Information 2, Cohort 1 VUS tab, Tung et al. 2015. PubMed ID: 25186627; Table 2, Pereira et al. 2022. PubMed ID: 35980532), an individual with pheochromocytoma/paraganglioma (Supplementary Table 1, Lima et al. 2023. PubMed ID: 37529773) and an individual with leiomyosarcoma (Lee et al. 2017. PubMed ID: 28093192). It was reported in a GWAS study of breast and prostate cancer risk in a multiethnic population (Haiman et al. 2013. PubMed ID: 23555315, Table S6.2). This variant is reported in 0.056% of alleles in individuals of African descent in gnomAD. This variant has conflicting classifications in ClinVar, ranging from uncertain significance to likely benign (Variation ID: 186221). Although we suspect that this variant may be benign, at this time, the clinical significance of this variant is uncertain due to the absence of conclusive functional and genetic evidence.

GeneDx
Classification: Uncertain significance. Last evaluated: 2025-09-25. Review status: criteria provided, single submitter. Criteria: GeneDx Variant Classification Process June 2021. Collection method: clinical testing. Allele origin: germline. Affected: yes.
Comment: Observed in individuals with a personal and/or family history of breast cancer, as well as an individual with pheochromocytoma/paraganglioma (PMID: 25186627, 31206626, 35264596, 35980532, 36568162, 37529773); Reported in a breast/prostate cancer case-control study, with no significant difference in frequency between cases and controls (PMID: 23555315); In silico analysis suggests that this missense variant does not alter protein structure/function; This variant is associated with the following publications: (PMID: 28093192, 25186627, 32832836, 31206626, 35264596, 35980532, 37529773, 36568162, 39324485, 23532176, 23555315)

Quest Diagnostics Nichols Institute San Juan Capistrano
Classification: Uncertain significance. Last evaluated: 2025-06-02. Review status: criteria provided, single submitter. Criteria: Quest Diagnostics criteria. Collection method: clinical testing. Allele origin: unknown.

Labcorp Genetics (formerly Invitae), Labcorp
Classification: Uncertain significance for Ataxia-telangiectasia syndrome. Last evaluated: 2025-01-29. Review status: criteria provided, single submitter. Criteria: Invitae Variant Classification Sherloc (09022015). Collection method: clinical testing. Allele origin: germline.
Comment: This sequence change replaces isoleucine, which is neutral and non-polar, with methionine, which is neutral and non-polar, at codon 2179 of the ATM protein (p.Ile2179Met). This variant is present in population databases (rs146243469, gnomAD 0.05%). This missense change has been observed in individual(s) with breast cancer (PMID: 25186627, 35264596). ClinVar contains an entry for this variant (Variation ID: 186221). Invitae Evidence Modeling of protein sequence and biophysical properties (such as structural, functional, and spatial information, amino acid conservation, physicochemical variation, residue mobility, and thermodynamic stability) indicates that this missense variant is not expected to disrupt ATM protein function with a negative predictive value of 95%. In summary, the available evidence is currently insufficient to determine the role of this variant in disease. Therefore, it has been classified as a Variant of Uncertain Significance.

Color Diagnostics, LLC DBA Color Health
Classification: Uncertain significance for Hereditary cancer-predisposing syndrome. Last evaluated: 2024-10-11. Review status: criteria provided, single submitter. Criteria: ACMG Guidelines, 2015. Collection method: clinical testing. Allele origin: germline.
Comment: This missense variant replaces isoleucine with methionine at codon 2179 of the ATM protein. Computational prediction suggests that this variant may not impact protein structure and function. To our knowledge, functional studies have not been reported for this variant. This variant has not been reported in individuals affected with ATM-related disorders in the literature. This variant has been identified in 15/282848 chromosomes in the general population by the Genome Aggregation Database (gnomAD). The available evidence is insufficient to determine the role of this variant in disease conclusively. Therefore, this variant is classified as a Variant of Uncertain Significance.

Ambry Genetics
Classification: Uncertain significance for Hereditary cancer-predisposing syndrome. Last evaluated: 2024-10-10. Review status: criteria provided, single submitter. Criteria: Ambry Variant Classification Scheme 2023. Collection method: clinical testing. Allele origin: germline.
Comment: The p.I2179M variant (also known as c.6537T>G), located in coding exon 44 of the ATM gene, results from a T to G substitution at nucleotide position 6537. The isoleucine at codon 2179 is replaced by methionine, an amino acid with highly similar properties. This variant has been reported in multiple individuals with features consistent with ATM-related cancer predisposition (Tung N et al. Cancer, 2015 Jan;121:25-33; Pereira JZ et al. Mol Biol Rep, 2022 Oct;49:9509-9520; Guindalini RSC et al. Sci Rep, 2022 Mar;12:4190; van der Merwe NC et al. Front Oncol, 2022 Dec;12:938561). This amino acid position is well conserved in available vertebrate species. In addition, the in silico prediction for this alteration is inconclusive. Based on the available evidence, the clinical significance of this variant remains unclear.

Myriad Genetics, Inc.
Classification: Likely benign for Familial cancer of breast. Last evaluated: 2024-06-06. Review status: criteria provided, single submitter. Criteria: Myriad Autosomal Dominant, Autosomal Recessive and X-Linked Classification Criteria (2023). Collection method: clinical testing. Allele origin: unknown.
Comment: This variant is considered likely benign. This variant is strongly associated with less severe personal and family histories of cancer, typical for individuals without pathogenic variants in this gene [PMID: 25085752].

Women's Health and Genetics/Laboratory Corporation of America, LabCorp
Classification: Uncertain significance. Last evaluated: 2024-05-06. Review status: criteria provided, single submitter. Criteria: LabCorp Variant Classification Summary - May 2015. Collection method: clinical testing. Allele origin: germline.
Comment: Variant summary: ATM c.6537T>G (p.Ile2179Met) results in a conservative amino acid change located in the FAT domain (IPR003151) of the encoded protein sequence. Three of five in-silico tools predict a damaging effect of the variant on protein function. The variant allele was found at a frequency of 0.0002 in 150980 control chromosomes, predominantly at a frequency of 0.00068 within the African or African-American subpopulation in the gnomAD database (v3.1 genomes dataset). This frequency is somewhat lower than the estimated maximum expected for a pathogenic variant in ATM causing Breast Cancer (0.001), allowing no conclusion about variant significance. However, the variant was also reported in the FLOSSIES database in 7/2559 African American women (i.e. with an allele frequency of 0.001367), who were older than age 70 years who have never had cancer, suggesting that the variant is likely benign. c.6537T>G has been reported in the literature, predominately as a VUS in settings of multigene panel testing, in individuals affected with Breast Cancer or other tumor phenotype(s), who are primarily of Hispanic- or African ancestry, without strong evidence for causality (e.g. Haiman_2013, Tung_2014, Weitzel_2019, Pereira_2022, van der Merwe_2022, Guindalini_2022, Lima_2023). These reports do not provide unequivocal conclusions about association of the variant with Breast Cancer. To our knowledge, no experimental evidence demonstrating an impact on protein function has been reported. The following publications have been ascertained in the context of this evaluation (PMID: 35264596, 23555315, 35980532, 25186627, 31206626, 36568162, 37529773). ClinVar contains an entry for this variant (Variation ID: 186221). Based on the evidence outlined above, the variant was classified as VUS-possibly benign.

NM_000051.4(ATM):c.6537T>G (p.Ile2179Met)

Genes: ATM (ATM serine/threonine kinase; plus strand), C11orf65 (chromosome 11 open reading frame 65; minus strand). Cytogenetic location: 11q22.3.
Variant type: single nucleotide variant.
Coding change: c.6537T>G on transcript NM_000051.4 (MANE Select); coding-DNA position 6537, T replaced by G.
Protein change: p.Ile2179Met; replaces isoleucine 2179 with methionine.
Molecular consequence: missense variant. On other transcripts: intron variant (2).
Genome position (GRCh38, 1-based): chr11:108,321,385, T>G. VCF-style: chr11-108321385-T-G. GRCh37 (hg19) VCF-style: chr11-108192112-T-G.
Other names: NP_000042.3:p.Ile2179Met; c.6537T>G, p.Ile2179Met (NM_001351834.2); c.641-12314A>C (NM_001330368.2); c.*39-12314A>C (NM_001351110.2); short protein forms I2179M.
Identifiers: ClinVar variation 186221 (VCV000186221.79), dbSNP rs146243469, ClinGen allele CA194187.
Genomic context (GRCh38, chr11:108,321,385, plus strand): 5'-TAAGCGCAGCCTTGAGTCTGTGTATTCGCTCTATCCCACACTTAGCAGGTTGCAGGCCAT[T>G]GGAGAGCTGGAAAGCATTGGGGAGCTTTTCTCAAGGTATGTAATTCGTATGACTTTGTTA-3'
Protein context (NP_000042.3, residues 2169-2189): LYPTLSRLQA[Ile2179Met]GELESIGELF